The following is an entry in ClinVar:

ClinVar aggregate classification (germline): Uncertain significance (1 of 4 stars; one submission).

Submission:

Dasa
Classification: Uncertain significance. Last evaluated: 2026-03-03. Review status: criteria provided, single submitter. Criteria: DASA Assertion Criteria. Collection method: clinical testing. Allele origin: germline.
Comment: NM_002291.3(LAMB1):c.4471G>T (p.Glu1491*) is a nonsense variant in LAMB1 predicted to introduce a premature termination codon. This variant is rare in population databases. The currently available literature and clinical evidence are not sufficient to establish a definitive association between this variant and the reported condition. Therefore, this variant is classified as a variant of uncertain significance.

NM_002291.3(LAMB1):c.4471G>T (p.Glu1491Ter)

Gene: LAMB1 (laminin subunit beta 1; minus strand). Cytogenetic location: 7q31.1.
Variant type: single nucleotide variant.
Coding change: c.4471G>T on transcript NM_002291.3 (MANE Select); coding-DNA position 4471, G replaced by T.
Protein change: p.Glu1491Ter; replaces glutamic acid 1491 with a stop codon.
Molecular consequence: nonsense.
Genome position (GRCh38, 1-based): chr7:107,931,422, C>A on the plus strand (G>T on the coding strand, the complement: LAMB1 is on the minus strand). VCF-style: chr7-107931422-C-A. GRCh37 (hg19) VCF-style: chr7-107571867-C-A.
Other names: short protein forms E1491*.
Identifiers: ClinVar variation 4881267 (VCV004881267.2).
Genomic context (GRCh38, chr7:107,931,422, plus strand): 5'-AAAAGTTTCTGATTTGCTTGATTAGATTTCTCAGCTCCTCATTGCTCTTGTCCATTTTTT[C>A]TTTGGTAGCATTTGTCTTCAACAGAATGTCTTCAGCACTTTGTTTTGCCTCATCTGCCCT-3'